The following is an entry in ClinVar:

ClinVar aggregate classification (germline): Uncertain significance (1 of 4 stars; one submission).

Conditions:
Hereditary pheochromocytoma and paraganglioma. Also called: Hereditary pheochromocytoma-paraganglioma; Hereditary Paraganglioma-Pheochromocytoma Syndromes; Hereditary paragangliomas and pheochromocytomas. Identifiers: Orphanet 29072, MedGen C4274332, MONDO:0017366.

Submission:

Labcorp Genetics (formerly Invitae), Labcorp
Classification: Uncertain significance for Hereditary pheochromocytoma and paraganglioma. Last evaluated: 2020-09-08. Review status: criteria provided, single submitter. Criteria: Invitae Variant Classification Sherloc (09022015). Collection method: clinical testing. Allele origin: germline.
Comment: This sequence change replaces alanine with valine at codon 58 of the MAX protein (p.Ala58Val). The alanine residue is highly conserved and there is a small physicochemical difference between alanine and valine. This variant is not present in population databases (ExAC no frequency). This variant has not been reported in the literature in individuals with MAX-related conditions. Algorithms developed to predict the effect of missense changes on protein structure and function are either unavailable or do not agree on the potential impact of this missense change (SIFT: "Deleterious"; PolyPhen-2: "Possibly Damaging"; Align-GVGD: "Class C0"). Algorithms developed to predict the effect of sequence changes on RNA splicing suggest that this variant may create or strengthen a splice site, but this prediction has not been confirmed by published transcriptional studies. In summary, the available evidence is currently insufficient to determine the role of this variant in disease. Therefore, it has been classified as a Variant of Uncertain Significance.

NM_002382.5(MAX):c.173C>T (p.Ala58Val)

Gene: MAX (MYC associated transcriptional regulator X; minus strand). Cytogenetic location: 14q23.3.
Variant type: single nucleotide variant.
Coding change: c.173C>T on transcript NM_002382.5 (MANE Select); coding-DNA position 173, C replaced by T.
Protein change: p.Ala58Val; replaces alanine 58 with valine.
Molecular consequence: missense variant. On other transcripts: 5 prime UTR variant (1), intron variant (2).
Genome position (GRCh38, 1-based): chr14:65,078,035, G>A on the plus strand (C>T on the coding strand, the complement: MAX is on the minus strand). VCF-style: chr14-65078035-G-A. GRCh37 (hg19) VCF-style: chr14-65544753-G-A.
Other names: c.-102C>T (NM_001320415.2, NM_001407105.1, NM_001407106.1 and 1 more transcripts); c.173C>T, p.Ala58Val (NM_001407094.1, NM_001407096.1, NM_001407097.1 and 3 more transcripts); c.146C>T, p.Ala49Val (NM_001407095.1, NM_001407099.1, NM_001407100.1 and 6 more transcripts); c.65C>T, p.Ala22Val (NM_001407098.1); c.-195C>T (NM_001407111.1, NM_001407112.1); c.144+15673C>T (NM_001271069.2); c.171+15673C>T (NM_197957.4); short protein forms A58V, A49V, A22V.
Identifiers: ClinVar variation 1037179 (VCV001037179.9), dbSNP rs2063106341, ClinGen allele CA390036014.